The following is an entry in ClinVar:

ClinVar aggregate classification (germline): Pathogenic. Review status: criteria provided, multiple submitters, no conflicts (2 of 4 stars). 3 submissions from 3 submitters: Pathogenic (2). 1 of the submissions does not count toward it. Last evaluated 2024-12-05.

Conditions:
Wilson disease (WND). Also called: Wilson's disease. Identifiers: Orphanet 905, MedGen C0019202, MONDO:0010200, OMIM 277900. Disease mechanism: loss of function.

Allele frequency attached by ClinVar (database versions not stated): gnomAD exomes below 0.00001; TOPMed below 0.00001.
gnomAD v4.1: 1 of 1,614,166 alleles (0.000062%); highest among the groups gnomAD compares: Middle Eastern, 0.017%; no homozygotes.

Submissions (3):

3billion
Classification: Pathogenic for Wilson disease. Last evaluated: 2024-12-05. Review status: criteria provided, single submitter. Criteria: ACMG Guidelines, 2015. Collection method: clinical testing. Allele origin: germline. Affected: yes.
Comment: The variant is observed at an extremely low frequency in the gnomAD v4.1.0 dataset (total allele frequency: <0.001%). Predicted Consequence/Location: Stop-gained (nonsense): predicted to result in a loss or disruption of normal protein function through nonsense-mediated decay (NMD) or protein truncation. Multiple pathogenic variants are reported downstream of the variant. The variant has been reported at least twice as pathogenic with clinical assertions and evidence for the classification (ClinVar ID: VCV000370196). Therefore, this variant is classified as Pathogenic according to the recommendation of ACMG/AMP guideline.

Labcorp Genetics (formerly Invitae), Labcorp
Classification: Pathogenic for Wilson disease. Last evaluated: 2021-04-29. Review status: criteria provided, single submitter. Criteria: Invitae Variant Classification Sherloc (09022015). Collection method: clinical testing. Allele origin: germline.
Comment: For these reasons, this variant has been classified as Pathogenic. Algorithms developed to predict the effect of sequence changes on RNA splicing suggest that this variant may create or strengthen a splice site, but this prediction has not been confirmed by published transcriptional studies. This variant has not been reported in the literature in individuals with ATP7B-related conditions. ClinVar contains an entry for this variant (Variation ID: 370196). This variant is not present in population databases (ExAC no frequency). This sequence change creates a premature translational stop signal (p.Glu458*) in the ATP7B gene. It is expected to result in an absent or disrupted protein product. Loss-of-function variants in ATP7B are known to be pathogenic (PMID: 10441329, 16283883).

Counsyl
Classification: Likely pathogenic for Wilson disease. Last evaluated: 2015-12-15. Review status: no assertion criteria provided. Collection method: clinical testing. Allele origin: unknown. Not counted in ClinVar's aggregate classification.

Literature cited by the submitters: PubMed 10441329 (cited by Labcorp Genetics (formerly Invitae), Labcorp); PubMed 16283883 (cited by Labcorp Genetics (formerly Invitae), Labcorp).

NM_000053.4(ATP7B):c.1372G>T (p.Glu458Ter)

Gene: ATP7B (ATPase copper transporting beta; minus strand). Cytogenetic location: 13q14.3.
Variant type: single nucleotide variant.
Coding change: c.1372G>T on transcript NM_000053.4 (MANE Select); coding-DNA position 1372, G replaced by T.
Protein change: p.Glu458Ter; replaces glutamic acid 458 with a stop codon.
Molecular consequence: nonsense.
Genome position (GRCh38, 1-based): chr13:51,970,663, C>A on the plus strand (G>T on the coding strand, the complement: ATP7B is on the minus strand). VCF-style: chr13-51970663-C-A. GRCh37 (hg19) VCF-style: chr13-52544799-C-A.
Other names: c.1372G>T, p.Glu458Ter (NM_001005918.3, NM_001330578.2, NM_001330579.2); c.1039G>T, p.Glu347Ter (NM_001243182.2); short protein forms E458*, E347*.
Identifiers: ClinVar variation 370196 (VCV000370196.9), dbSNP rs1057516305, ClinGen allele CA16041678.